The following is an entry in ClinVar:

ClinVar aggregate classification (germline): Pathogenic (1 of 4 stars; one submission).

Conditions:
DICER1-related tumor predisposition. Also called: DICER1-related pleuropulmonary blastoma cancer predisposition syndrome; DICER1 syndrome. Identifiers: Orphanet 284343, MedGen C3839822, MONDO:0100216.

Submission:

Labcorp Genetics (formerly Invitae), Labcorp
Classification: Pathogenic for DICER1-related tumor predisposition. Last evaluated: 2024-06-21. Review status: criteria provided, single submitter. Criteria: Invitae Variant Classification Sherloc (09022015). Collection method: clinical testing. Allele origin: germline.
Comment: This sequence change creates a premature translational stop signal (p.Val100Serfs*28) in the DICER1 gene. It is expected to result in an absent or disrupted protein product. Loss-of-function variants in DICER1 are known to be pathogenic (PMID: 19556464, 21266384). This variant is not present in population databases (gnomAD no frequency). This variant has not been reported in the literature in individuals affected with DICER1-related conditions. For these reasons, this variant has been classified as Pathogenic.

Literature cited by the submitters: PubMed 19556464; PubMed 21266384.

NM_177438.3(DICER1):c.298del (p.Val100fs)

Gene: DICER1 (dicer 1, ribonuclease III; minus strand). Cytogenetic location: 14q32.13.
Variant type: Deletion.
Coding change: c.298del on transcript NM_177438.3 (MANE Select); coding-DNA position 298, one base deleted (G; older notation c.298delG).
Protein change: p.Val100fs; shifts the reading frame from valine 100.
Molecular consequence: frameshift variant. On other transcripts: 5 prime UTR variant (2), non-coding transcript variant (6).
Genome position (GRCh38, 1-based): chr14:95,132,524, C deleted on the plus strand (G on the coding strand, the reverse complement: DICER1 is on the minus strand); the first of 2 consecutive C bases (chr14:95,132,524-95,132,525); deleting either gives the same sequence. VCF-style (leftmost placement, unchanged base first): chr14-95132523-AC-A. GRCh37 (hg19) VCF-style: chr14-95598860-AC-A.
Other names: c.298del, p.Val100fs (NM_001195573.1, NM_001271282.3, NM_001291628.2 and 14 more transcripts); c.297delG, p.Val100Serfs (NM_001395681.1); c.24del, p.Trp8fs (NM_001395686.1, NM_001395687.1, NM_001395688.1 and 4 more transcripts); c.-161del (NM_001395691.1); c.-1271del (NM_001395697.1); short protein forms V100fs, W8fs.
Identifiers: ClinVar variation 2861965 (VCV002861965.3), dbSNP rs2543366632, ClinGen allele CA2739279615.